The following is an entry in ClinVar:

NM_000553.6(WRN):c.2360T>G (p.Leu787Arg)

Gene: WRN (WRN RecQ like helicase; plus strand). Cytogenetic location: 8p12.
Variant type: single nucleotide variant.
Coding change: c.2360T>G on transcript NM_000553.6 (MANE Select); coding-DNA position 2360, T replaced by G.
Protein change: p.Leu787Arg; replaces leucine 787 with arginine.
Molecular consequence: missense variant.
Genome position (GRCh38, 1-based): chr8:31,116,440, T>G. VCF-style: chr8-31116440-T-G. GRCh37 (hg19) VCF-style: chr8-30973956-T-G.
Other names: short protein forms L787R.
Identifiers: ClinVar variation 458416 (VCV000458416.9), dbSNP rs1420748565, ClinGen allele CA370913658.

ClinVar aggregate classification (germline): Uncertain significance. Review status: criteria provided, multiple submitters, no conflicts (2 of 4 stars). 2 submissions from 2 submitters: Uncertain significance (2). Last evaluated 2025-01-03.

Conditions:
Inborn genetic diseases. Identifiers: MedGen C0950123, MeSH D030342.
Werner syndrome (WRN). Identifiers: Orphanet 902, MedGen C0043119, MONDO:0010196, OMIM 277700.

Allele frequency attached by ClinVar (database versions not stated): TOPMed 0.00001.
gnomAD v4.1: 6 of 1,614,074 alleles (0.00037%); highest among the groups gnomAD compares: Non-Finnish European, 0.00051%; no homozygotes.

Submissions (2):

Ambry Genetics
Classification: Uncertain significance for Inborn genetic diseases. Last evaluated: 2025-01-03. Review status: criteria provided, single submitter. Criteria: Ambry Variant Classification Scheme 2023. Collection method: clinical testing. Allele origin: germline.

Labcorp Genetics (formerly Invitae), Labcorp
Classification: Uncertain significance for Werner syndrome. Last evaluated: 2024-05-29. Review status: criteria provided, single submitter. Criteria: Invitae Variant Classification Sherloc (09022015). Collection method: clinical testing. Allele origin: germline.
Comment: This sequence change replaces leucine, which is neutral and non-polar, with arginine, which is basic and polar, at codon 787 of the WRN protein (p.Leu787Arg). This variant is present in population databases (no rsID available, gnomAD 0.002%). This variant has not been reported in the literature in individuals affected with WRN-related conditions. ClinVar contains an entry for this variant (Variation ID: 458416). An algorithm developed to predict the effect of missense changes on protein structure and function (PolyPhen-2) suggests that this variant is likely to be disruptive. RNA analysis performed to evaluate the impact of this missense change on mRNA splicing indicates it does not significantly alter splicing (Invitae). In summary, the available evidence is currently insufficient to determine the role of this variant in disease. Therefore, it has been classified as a Variant of Uncertain Significance.